The following is an entry in ClinVar:

ClinVar aggregate classification (germline): Pathogenic (1 of 4 stars; one submission).

Conditions:
Hereditary cancer-predisposing syndrome. Also called: Neoplastic Syndromes, Hereditary; Tumor predisposition; Hereditary Cancer Syndrome; Hereditary neoplastic syndrome. Identifiers: Orphanet 140162, MedGen C0027672, MeSH D009386, MONDO:0015356.

Submission:

Ambry Genetics
Classification: Pathogenic for Hereditary cancer-predisposing syndrome. Last evaluated: 2017-10-27. Review status: criteria provided, single submitter. Criteria: Ambry Variant Classification Scheme 2023. Collection method: clinical testing. Allele origin: germline.
Comment: The c.1003dupC pathogenic mutation, located in coding exon 7 of the CDH1 gene, results from a duplication of C at nucleotide position 1003, causing a translational frameshift with a predicted alternate stop codon (p.R335Pfs*15). This alteration is expected to result in loss of function by premature protein truncation or nonsense-mediated mRNA decay. As such, this alteration is interpreted as a disease-causing mutation.

NM_004360.5(CDH1):c.1003dup (p.Arg335fs)

Gene: CDH1 (cadherin 1; plus strand). Cytogenetic location: 16q22.1.
Variant type: Duplication.
Coding change: c.1003dup on transcript NM_004360.5 (MANE Select); coding-DNA position 1003, one base duplicated (C; older notation c.1003dupC).
Protein change: p.Arg335fs; shifts the reading frame from arginine 335.
Molecular consequence: frameshift variant. On other transcripts: 5 prime UTR variant (2).
Genome position (GRCh38, 1-based): chr16:68,811,854, C duplicated; the last of 2 consecutive C bases (chr16:68,811,853-68,811,854); duplicating either gives the same sequence. VCF-style (leftmost placement, unchanged base first): chr16-68811852-A-AC. GRCh37 (hg19) VCF-style: chr16-68845755-A-AC.
Other names: c.1003dup, p.Arg335fs (NM_001317184.2); c.-613dup (NM_001317185.2); c.-817dup (NM_001317186.2); c.1003dupC (NM_004360.3); short protein forms R335fs.
Identifiers: ClinVar variation 1775622 (VCV001775622.2), dbSNP rs2543922974, ClinGen allele CA2580091858.